The following is an entry in ClinVar:

ClinVar aggregate classification (germline): Conflicting classifications of pathogenicity. Review status: criteria provided, conflicting classifications (1 of 4 stars). 2 submissions from 2 submitters: Uncertain significance (1); Likely benign (1). Last evaluated 2025-12-09.

Conditions:
Inborn genetic diseases. Identifiers: MedGen C0950123, MeSH D030342.

Allele frequency attached by ClinVar (database versions not stated): TOPMed below 0.00001; gnomAD 0.00001; gnomAD exomes 0.00001; ExAC 0.00002.
gnomAD v4.1: 6 of 1,613,742 alleles (0.00037%); highest among the groups gnomAD compares: African/African-American, 0.0013%; no homozygotes.

Submissions (2):

Ambry Genetics
Classification: Uncertain significance for Inborn genetic diseases. Last evaluated: 2025-12-09. Review status: criteria provided, single submitter. Criteria: Ambry Variant Classification Scheme 2023. Collection method: clinical testing. Allele origin: germline.

CeGaT Center for Human Genetics Tuebingen
Classification: Likely benign. Last evaluated: 2024-05-01. Review status: criteria provided, single submitter. Criteria: CeGaT Center For Human Genetics Tuebingen Variant Classification Criteria Version 2. Collection method: clinical testing. Allele origin: germline. Affected: yes. Observed: 1 variant allele.
Comment: TNRC6B: BP4

NM_001162501.2(TNRC6B):c.2269A>G (p.Lys757Glu)

Gene: TNRC6B (trinucleotide repeat containing adaptor 6B; plus strand). Cytogenetic location: 22q13.1.
Variant type: single nucleotide variant.
Coding change: c.2269A>G on transcript NM_001162501.2 (MANE Select); coding-DNA position 2269, A replaced by G.
Protein change: p.Lys757Glu; replaces lysine 757 with glutamic acid.
Molecular consequence: missense variant. On other transcripts: intron variant (1).
Genome position (GRCh38, 1-based): chr22:40,266,499, A>G. VCF-style: chr22-40266499-A-G. GRCh37 (hg19) VCF-style: chr22-40662503-A-G.
Other names: c.2269A>G (NM_001162501.1); c.2269A>G, p.Lys757Glu (NM_015088.3); c.566-3623A>G (NM_001024843.2); short protein forms K757E.
Identifiers: ClinVar variation 3239283 (VCV003239283.19), dbSNP rs765989873.